The following is an entry in ClinVar:

ClinVar aggregate classification (germline): Likely benign (1 of 4 stars; one submission).

Submission:

MVZ Dr. Eberhard & Partner Dortmund
Classification: Likely benign. Last evaluated: 2022-08-30. Review status: criteria provided, single submitter. Criteria: ACMG Guidelines, 2015. Collection method: clinical testing. Allele origin: unknown. Observed: 1 heterozygote.
Comment: This intronic sequence change has not been reported before in literature, mutation databases or population databases. This variant is insuspicuous concerning splicing prediction programms.

NM_000518.5(HBB):c.93-56G>A

Genes: HBB (hemoglobin subunit beta; minus strand), LOC106099062 (HBB recombination region; plus strand), LOC107133510 (origin of replication at HBB; plus strand). Cytogenetic location: 11p15.4.
Variant type: single nucleotide variant.
Coding change: c.93-56G>A on transcript NM_000518.5 (MANE Select); 56 bases into the intron before coding-DNA position 93, G replaced by A.
Molecular consequence: intron variant.
Genome position (GRCh38, 1-based): chr11:5,226,855, C>T on the plus strand (G>A on the coding strand, the complement: HBB is on the minus strand). VCF-style: chr11-5226855-C-T. GRCh37 (hg19) VCF-style: chr11-5248085-C-T.
Identifiers: ClinVar variation 1802686 (VCV001802686.2), dbSNP rs2494296415, ClinGen allele CA2580084019.